The following is an entry in ClinVar:

ClinVar aggregate classification (germline): Uncertain significance. Review status: criteria provided, multiple submitters, no conflicts (2 of 4 stars). 2 submissions from 2 submitters: Uncertain significance (2). Last evaluated 2025-08-25.

Conditions:
Otospondylomegaepiphyseal dysplasia, autosomal dominant (OSMEDA). Also called: Pierre Robin syndrome with fetal chondrodysplasia; COL11A2-Related Stickler Syndrome; Stickler syndrome, type 3. Identifiers: Orphanet 166100, Orphanet 3450, MedGen C1848488, MONDO:0008490, OMIM 184840.

Submissions (2):

Labcorp Genetics (formerly Invitae), Labcorp
Classification: Uncertain significance. Last evaluated: 2025-08-25. Review status: criteria provided, single submitter. Criteria: Invitae Variant Classification Sherloc (09022015). Collection method: clinical testing. Allele origin: germline.
Comment: This sequence change replaces arginine, which is basic and polar, with proline, which is neutral and non-polar, at codon 110 of the COL11A2 protein (p.Arg110Pro). This variant is not present in population databases (gnomAD no frequency). This variant has not been reported in the literature in individuals affected with COL11A2-related conditions. ClinVar contains an entry for this variant (Variation ID: 2975685). Invitae Evidence Modeling of protein sequence and biophysical properties (such as structural, functional, and spatial information, amino acid conservation, physicochemical variation, residue mobility, and thermodynamic stability) indicates that this missense variant is not expected to disrupt COL11A2 protein function with a negative predictive value of 95%. In summary, the available evidence is currently insufficient to determine the role of this variant in disease. Therefore, it has been classified as a Variant of Uncertain Significance.

Genomic Medicine Center of Excellence, King Faisal Specialist Hospital and Research Centre
Classification: Uncertain significance for Otospondylomegaepiphyseal dysplasia, autosomal dominant. Last evaluated: 2024-12-19. Review status: criteria provided, single submitter. Criteria: ACMG Guidelines, 2015. Collection method: clinical testing. Allele origin: germline.

NM_080680.3(COL11A2):c.329G>C (p.Arg110Pro)

Gene: COL11A2 (collagen type XI alpha 2 chain; minus strand). Cytogenetic location: 6p21.32.
Variant type: single nucleotide variant.
Coding change: c.329G>C on transcript NM_080680.3 (MANE Select); coding-DNA position 329, G replaced by C.
Protein change: p.Arg110Pro; replaces arginine 110 with proline.
Molecular consequence: missense variant. On other transcripts: 5 prime UTR variant (3), non-coding transcript variant (1).
Genome position (GRCh38, 1-based): chr6:33,189,092, C>G on the plus strand (G>C on the coding strand, the complement: COL11A2 is on the minus strand). VCF-style: chr6-33189092-C-G. GRCh37 (hg19) VCF-style: chr6-33156869-C-G.
Other names: c.329G>C, p.Arg110Pro (NM_001163771.2, NM_001424108.1, NM_080679.3 and 1 more transcripts); c.-518G>C (NM_001424109.1, NM_001424110.1, NM_001424111.1); short protein forms R110P.
Identifiers: ClinVar variation 2975685 (VCV002975685.4), dbSNP rs145960317, ClinGen allele CA363612597.